The following is an entry in ClinVar:

ClinVar aggregate classification (germline): Uncertain significance. Review status: criteria provided, multiple submitters, no conflicts (2 of 4 stars). 2 submissions from 2 submitters: Uncertain significance (2). Last evaluated 2025-04-01.

Conditions:
Cardiomyopathy (CMYO). Also called: Cardiomyopathies. Identifiers: Orphanet 167848, MedGen C0878544, MONDO:0004994, HP:0001638. Inheritance: Various modes of inheritance.
Hypertrophic cardiomyopathy. Also called: HYPERTROPHIC MYOCARDIOPATHY. Identifiers: Orphanet 217569, MedGen C0007194, MeSH D002312, MONDO:0005045, HP:0001639.

Submissions (2):

Color Diagnostics, LLC DBA Color Health
Classification: Uncertain significance for Cardiomyopathy. Last evaluated: 2025-04-01. Review status: criteria provided, single submitter. Criteria: ACMG Guidelines, 2015. Collection method: clinical testing. Allele origin: germline.
Comment: This missense variant replaces alanine with valine at codon 393 of the MYH7 protein. This variant is found within a highly conserved region of the myosin head domain. Missense variants in this region have been shown to be significantly overrepresented in individuals with affected with hypertrophic cardiomyopathy (PMID: 27532257). Computational prediction suggests that this variant may have a deleterious impact on protein structure and function. To our knowledge, functional studies have not been reported for this variant. This variant has been reported in several individuals affected with hypertrophic cardiomyopathy (PMID: 23785128, 30775854, 30847666, 33673806). This variant has not been identified in the general population by the Genome Aggregation Database (gnomAD). Although there is a suspicion that this variant may be associated with disease, additional studies are necessary to determine the role of this variant in disease conclusively. Therefore, this variant is classified as a Variant of Uncertain Significance.

Labcorp Genetics (formerly Invitae), Labcorp
Classification: Uncertain significance for Hypertrophic cardiomyopathy. Last evaluated: 2022-08-27. Review status: criteria provided, single submitter. Criteria: Invitae Variant Classification Sherloc (09022015). Collection method: clinical testing. Allele origin: germline.
Comment: This sequence change replaces alanine, which is neutral and non-polar, with valine, which is neutral and non-polar, at codon 393 of the MYH7 protein (p.Ala393Val). This variant is not present in population databases (gnomAD no frequency). This missense change has been observed in individual(s) with hypertrophic cardiomyopathy (PMID: 23785128, 30847666, 33673806; Invitae). ClinVar contains an entry for this variant (Variation ID: 222721). Algorithms developed to predict the effect of missense changes on protein structure and function are either unavailable or do not agree on the potential impact of this missense change (SIFT: "Deleterious"; PolyPhen-2: "Probably Damaging"; Align-GVGD: "Class C0"). This variant is found within a region of MYH7 between codons 181 and 937 that contains the majority of the myosin head domain. Missense variants in this region have been shown to be significantly overrepresented in individuals with hypertrophic cardiomyopathy (PMID: 27532257). In summary, the available evidence is currently insufficient to determine the role of this variant in disease. Therefore, it has been classified as a Variant of Uncertain Significance.

Literature cited by the submitters: PubMed 23785128 (cited by Color Diagnostics, LLC DBA Color Health and Labcorp Genetics (formerly Invitae), Labcorp); PubMed 27532257 (cited by Color Diagnostics, LLC DBA Color Health and Labcorp Genetics (formerly Invitae), Labcorp); PubMed 30775854 (cited by Color Diagnostics, LLC DBA Color Health); PubMed 30847666 (cited by Color Diagnostics, LLC DBA Color Health and Labcorp Genetics (formerly Invitae), Labcorp); PubMed 33673806 (cited by Color Diagnostics, LLC DBA Color Health and Labcorp Genetics (formerly Invitae), Labcorp).

NM_000257.4(MYH7):c.1178C>T (p.Ala393Val)

Gene: MYH7 (myosin heavy chain 7; minus strand). Cytogenetic location: 14q11.2.
Variant type: single nucleotide variant.
Coding change: c.1178C>T on transcript NM_000257.4 (MANE Select); coding-DNA position 1178, C replaced by T.
Protein change: p.Ala393Val; replaces alanine 393 with valine.
Molecular consequence: missense variant.
Genome position (GRCh38, 1-based): chr14:23,429,308, G>A on the plus strand (C>T on the coding strand, the complement: MYH7 is on the minus strand). VCF-style: chr14-23429308-G-A. GRCh37 (hg19) VCF-style: chr14-23898517-G-A.
Other names: c.1178C>T (LRG_384t1); short protein forms A393V.
Identifiers: ClinVar variation 222721 (VCV000222721.8), dbSNP rs869025477, ClinGen allele CA351705.